The following is an entry in ClinVar:

NM_006767.4(LZTR1):c.2276A>C (p.Tyr759Ser)

Gene: LZTR1 (leucine zipper like post translational regulator 1; plus strand). Cytogenetic location: 22q11.21.
Variant type: single nucleotide variant.
Coding change: c.2276A>C on transcript NM_006767.4 (MANE Select); coding-DNA position 2276, A replaced by C.
Protein change: p.Tyr759Ser; replaces tyrosine 759 with serine.
Molecular consequence: missense variant.
Genome position (GRCh38, 1-based): chr22:20,996,752, A>C. VCF-style: chr22-20996752-A-C. GRCh37 (hg19) VCF-style: chr22-21351041-A-C.
Other names: short protein forms Y759S.
Identifiers: ClinVar variation 1788857 (VCV001788857.2), dbSNP rs1924867910, ClinGen allele CA410780839.
Genomic context (GRCh38, chr22:20,996,752, plus strand): 5'-CCAGCTACTTGTTTGCGGCCCCCTACTACTACGGCTTCTACAACAACCGGCTGCAGGCGT[A>C]CTGCAAGCAGAACCTGGAGATGAACGTGACGGTGCAGAACGTGCTGCAGGTAGCCCCCCA-3'
Protein context (NP_006758.2, residues 749-769): YGFYNNRLQA[Tyr759Ser]CKQNLEMNVT

ClinVar aggregate classification (germline): Uncertain significance (1 of 4 stars; one submission).

Conditions:
Hereditary cancer-predisposing syndrome. Also called: Hereditary Cancer Syndrome; Hereditary neoplastic syndrome; Tumor predisposition; Neoplastic Syndromes, Hereditary. Identifiers: Orphanet 140162, MedGen C0027672, MeSH D009386, MONDO:0015356.
Cardiovascular phenotype. Identifiers: MedGen CN230736.

Submission:

Ambry Genetics
Classification: Uncertain significance for Cardiovascular phenotype; Hereditary cancer-predisposing syndrome. Last evaluated: 2022-03-24. Review status: criteria provided, single submitter. Criteria: Ambry Variant Classification Scheme 2023. Collection method: clinical testing. Allele origin: germline.
Comment: The p.Y759S variant (also known as c.2276A>C), located in coding exon 19 of the LZTR1 gene, results from an A to C substitution at nucleotide position 2276. The tyrosine at codon 759 is replaced by serine, an amino acid with dissimilar properties. This amino acid position is conserved. In addition, the in silico prediction for this alteration is inconclusive. Since supporting evidence is limited at this time, the clinical significance of this alteration remains unclear.